The following is an entry in ClinVar:

NM_001267550.2(TTN):c.52098_52099del (p.Leu17367fs)

Genes: TTN (titin; minus strand), TTN-AS1 (TTN antisense RNA 1; plus strand). Cytogenetic location: 2q31.2.
Variant type: Microsatellite.
Coding change: c.52098_52099del on transcript NM_001267550.2 (MANE Select); coding-DNA positions 52098 to 52099, 2 bases deleted (GT; older notation c.52098_52099delGT).
Protein change: p.Leu17367fs; shifts the reading frame from leucine 17367.
Molecular consequence: frameshift variant.
Genome position (GRCh38, 1-based): chr2:178,609,211-178,609,212, AC deleted on the plus strand (GT on the coding strand, the reverse complement: TTN is on the minus strand); deleting any 2 consecutive bases within chr2:178,609,211-178,609,216 gives the same sequence; the c. name uses the placement nearest the transcript's 3' end. VCF-style (leftmost placement, unchanged base first): chr2-178609210-AAC-A. GRCh37 (hg19) VCF-style: chr2-179473937-AAC-A.
Other names: c.47175_47176del, p.Leu15726fs (NM_001256850.1); c.24903_24904del, p.Leu8302fs (NM_003319.4); c.44394_44395del, p.Leu14799fs (NM_133378.4); c.25278_25279del, p.Leu8427fs (NM_133432.3); c.25479_25480del, p.Leu8494fs (NM_133437.4); short protein forms L14799fs, L15726fs, L17367fs, L8302fs, L8427fs, L8494fs.
Identifiers: ClinVar variation 3899388 (VCV003899388.3).

ClinVar aggregate classification (germline): Likely pathogenic (1 of 4 stars; one submission).

Conditions:
Early-onset myopathy with fatal cardiomyopathy (CMYO5). Also called: Salih Myopathy; CONGENITAL MYOPATHY 5 WITH CARDIOMYOPATHY. Identifiers: Orphanet 289377, MedGen C2673677, MONDO:0012714, OMIM 611705. Disease mechanism: loss of function.
Dilated cardiomyopathy 1G (CMD1G). Identifiers: Orphanet 154, MedGen C1858763, MONDO:0011400, OMIM 604145.
Myopathy, myofibrillar, 9, with early respiratory failure (MFM9). Also called: EDSTROM MYOPATHY; MYOPATHY, PROXIMAL, WITH EARLY RESPIRATORY MUSCLE INVOLVEMENT; Hereditary myopathy with early respiratory failure; Myopathy, distal, with early respiratory failure, autosomal dominant. Identifiers: Orphanet 178464, Orphanet 34521, MedGen C1863599, MONDO:0011362, OMIM 603689.
Autosomal recessive limb-girdle muscular dystrophy type 2J (LGMDR10). Also called: Limb-girdle muscular dystrophy, type 2J; MUSCULAR DYSTROPHY, LIMB-GIRDLE, AUTOSOMAL RECESSIVE 10. Identifiers: Orphanet 140922, MedGen C1837342, MONDO:0012127, OMIM 608807.
Hypertrophic cardiomyopathy 9. Also called: Familial hypertrophic cardiomyopathy 9. Identifiers: MedGen C1861065, MONDO:0013412, OMIM 613765.
Tibial muscular dystrophy (TMD). Also called: UDD MYOPATHY; Tibial muscular dystrophy, tardive; Udd Distal Myopathy – Tibial Muscular Dystrophy. Identifiers: Orphanet 609, MedGen C1838244, MONDO:0010870, OMIM 600334.

Submission:

Juno Genomics, Hangzhou Juno Genomics, Inc
Classification: Likely pathogenic for Early-onset myopathy with fatal cardiomyopathy; Dilated cardiomyopathy 1G; Hypertrophic cardiomyopathy 9; Autosomal recessive limb-girdle muscular dystrophy type 2J; Myopathy, myofibrillar, 9, with early respiratory failure; Tibial muscular dystrophy. Review status: criteria provided, single submitter. Criteria: ACMG Guidelines, 2015. Collection method: clinical testing. Allele origin: germline.
Comment: Absent from controls (or at extremely low frequency if recessive) in Genome Aggregation Database.;Null variant in a gene where loss of function (LOF) is a known mechanism of disease.